The following is an entry in ClinVar:

ClinVar aggregate classification (germline): Uncertain significance (1 of 4 stars; one submission).

Conditions:
Cardiovascular phenotype. Identifiers: MedGen CN230736.

Submission:

Ambry Genetics
Classification: Uncertain significance for Cardiovascular phenotype. Last evaluated: 2025-01-06. Review status: criteria provided, single submitter. Criteria: Ambry Variant Classification Scheme 2023. Collection method: clinical testing. Allele origin: germline.
Comment: The p.V1250M variant (also known as c.3748G>A), located in coding exon 25 of the MYH6 gene, results from a G to A substitution at nucleotide position 3748. The valine at codon 1250 is replaced by methionine, an amino acid with highly similar properties. This amino acid position is conserved. In addition, this alteration is predicted to be tolerated by in silico analysis. Based on the available evidence, the clinical significance of this variant remains unclear.

NM_002471.4(MYH6):c.3748G>A (p.Val1250Met)

Gene: MYH6 (myosin heavy chain 6; minus strand). Cytogenetic location: 14q11.2.
Variant type: single nucleotide variant.
Coding change: c.3748G>A on transcript NM_002471.4 (MANE Select); coding-DNA position 3748, G replaced by A.
Protein change: p.Val1250Met; replaces valine 1250 with methionine.
Molecular consequence: missense variant.
Genome position (GRCh38, 1-based): chr14:23,389,704, C>T on the plus strand (G>A on the coding strand, the complement: MYH6 is on the minus strand). VCF-style: chr14-23389704-C-T. GRCh37 (hg19) VCF-style: chr14-23858913-C-T.
Other names: short protein forms V1250M.
Identifiers: ClinVar variation 3876439 (VCV003876439.1).
Genomic context (GRCh38, chr14:23,389,704, plus strand): 5'-GTTGGGCCTCTTCTAGCTTCACGCGGTACTCATTGGCCTGGTCCTCCAGCGTCCGAGACA[C>T]TTTCTCCAGGTTTGCCTTCAGGAAGCAAGACAGGAAGGGTGAGTGTGGGAGGGGCTGAGT-3'
Protein context (NP_002462.2, residues 1240-1260): IIKAKANLEK[Val1250Met]SRTLEDQANE